The following is an entry in ClinVar:

ClinVar aggregate classification (germline): Uncertain significance (1 of 4 stars; one submission).

gnomAD v4.1: 3 of 1,614,006 alleles (0.00019%); highest among the groups gnomAD compares: South Asian, 0.0011%; no homozygotes.

Submission:

CeGaT Center for Human Genetics Tuebingen
Classification: Uncertain significance. Last evaluated: 2025-08-01. Review status: criteria provided, single submitter. Criteria: CeGaT Center For Human Genetics Tuebingen Variant Classification Criteria Version 2. Collection method: clinical testing. Allele origin: germline. Affected: yes. Observed: 1 variant allele.
Comment: FAT2: PM2:Supporting, PP2, BP4

NM_001447.3(FAT2):c.5005A>G (p.Ile1669Val)

Genes: FAT2 (FAT atypical cadherin 2; minus strand), SLC36A1 (solute carrier family 36 member 1; plus strand). Cytogenetic location: 5q33.1.
Variant type: single nucleotide variant.
Coding change: c.5005A>G on transcript NM_001447.3 (MANE Select); coding-DNA position 5005, A replaced by G.
Protein change: p.Ile1669Val; replaces isoleucine 1669 with valine.
Molecular consequence: missense variant.
Genome position (GRCh38, 1-based): chr5:151,546,122, T>C on the plus strand (A>G on the coding strand, the complement: FAT2 is on the minus strand). VCF-style: chr5-151546122-T-C. GRCh37 (hg19) VCF-style: chr5-150925683-T-C.
Other names: short protein forms I1669V.
Identifiers: ClinVar variation 4084694 (VCV004084694.8).